The following is an entry in ClinVar:

ClinVar aggregate classification (germline): Likely benign (1 of 4 stars; one submission).

gnomAD v4.1: 1 of 1,600,594 alleles (0.000062%); highest among the groups gnomAD compares: Non-Finnish European, 0.000085%; no homozygotes.

Submission:

CeGaT Center for Human Genetics Tuebingen
Classification: Likely benign. Last evaluated: 2026-04-01. Review status: criteria provided, single submitter. Criteria: CeGaT Center For Human Genetics Tuebingen Variant Classification Criteria Version 2. Collection method: clinical testing. Allele origin: germline. Affected: yes. Observed: 1 variant allele.
Comment: TNFRSF11A: BP4, BP7

NM_003839.4(TNFRSF11A):c.345G>A (p.Thr115=)

Gene: TNFRSF11A (TNF receptor superfamily member 11a; plus strand). Cytogenetic location: 18q21.33.
Variant type: single nucleotide variant.
Coding change: c.345G>A on transcript NM_003839.4 (MANE Select); coding-DNA position 345, G replaced by A.
Protein change: p.Thr115=; no amino-acid change (threonine 115 retained).
Molecular consequence: synonymous variant.
Genome position (GRCh38, 1-based): chr18:62,354,452, G>A. VCF-style: chr18-62354452-G-A. GRCh37 (hg19) VCF-style: chr18-60021685-G-A.
Other names: c.345G>A, p.Thr115= (NM_001270949.2, NM_001270950.2, NM_001270951.2 and 1 more transcripts).
Identifiers: ClinVar variation 4873660 (VCV004873660.2).